The following is an entry in ClinVar:

ClinVar aggregate classification (germline): Benign/Likely benign. Review status: criteria provided, multiple submitters, no conflicts (2 of 4 stars). 5 submissions from 5 submitters: Benign (3); Likely benign (2). Last evaluated 2025-11-28.

Conditions:
X-linked sideroblastic anemia 1. Also called: Anemia, sideroblastic, 1; ANEMIA, SIDEROBLASTIC, 1, PYRIDOXINE REFRACTORY; Anemia, hereditary sideroblastic 1, pyridoxine refractory; Erythroid 5-aminolevulinate synthase deficiency; X chromosome-linked sideroblastic anemia; X-linked pyridoxine-refractory sideroblastic anemia. Identifiers: Orphanet 75563, MedGen C4551511, MONDO:0020721, OMIM 300751. Disease mechanism: loss of function.

Allele frequency attached by ClinVar (database versions not stated): TOPMed 0.00005; gnomAD 0.00015 and below 0.00001; gnomAD exomes 0.00032 and 0.00075; ExAC 0.00074; 1000 Genomes Project 30x 0.00125; 1000 Genomes Project 0.00159.
gnomAD v4.1: 375 of 1,209,936 alleles (0.031%); highest among the groups gnomAD compares: South Asian, 0.62%; 4 homozygotes.

Submissions (5):

Labcorp Genetics (formerly Invitae), Labcorp
Classification: Benign. Last evaluated: 2025-11-28. Review status: criteria provided, single submitter. Criteria: Invitae Variant Classification Sherloc (09022015). Collection method: clinical testing. Allele origin: germline.

Blueprint Genetics
Classification: Likely benign. Last evaluated: 2024-07-11. Review status: criteria provided, single submitter. Criteria: ACMG Guidelines, 2015. Collection method: clinical testing. Allele origin: germline.

Genetic Services Laboratory, University of Chicago
Classification: Benign. Last evaluated: 2020-06-10. Review status: criteria provided, single submitter. Criteria: ACMG Guidelines, 2015. Collection method: clinical testing. Allele origin: germline. Affected: no.

Illumina Laboratory Services, Illumina
Classification: Benign for X-linked sideroblastic anemia 1. Last evaluated: 2018-01-12. Review status: criteria provided, single submitter. Criteria: ICSL Variant Classification Criteria 13 December 2019. Collection method: clinical testing. Allele origin: germline.
Comment: This variant was observed in the ICSL laboratory as part of a predisposition screen in an ostensibly healthy population. It had not been previously curated by ICSL or reported in the Human Gene Mutation Database (HGMD: prior to June 1st, 2018), and was therefore a candidate for classification through an automated scoring system. Utilizing variant allele frequency, disease prevalence and penetrance estimates, and inheritance mode, an automated score was calculated to assess if this variant is too frequent to cause the disease. Based on the score and internal cut-off values, a variant classified as benign is not then subjected to further curation. The score for this variant resulted in a classification of benign for this disease.

GeneDx
Classification: Likely benign. Last evaluated: 2018-01-04. Review status: criteria provided, single submitter. Criteria: GeneDx Variant Classification (06012015). Collection method: clinical testing. Allele origin: germline. Affected: yes.
Comment: This variant is considered likely benign or benign based on one or more of the following criteria: it is a conservative change, it occurs at a poorly conserved position in the protein, it is predicted to be benign by multiple in silico algorithms, and/or has population frequency not consistent with disease.

NM_000032.5(ALAS2):c.231C>A (p.Leu77=)

Genes: ALAS2 (5'-aminolevulinate synthase 2; minus strand), LOC108663984 (ALAS2 intron 1 and 3 erythroid regulatory elements; plus strand). Cytogenetic location: Xp11.21.
Variant type: single nucleotide variant.
Coding change: c.231C>A on transcript NM_000032.5 (MANE Select); coding-DNA position 231, C replaced by A.
Protein change: p.Leu77=; no amino-acid change (leucine 77 retained).
Molecular consequence: synonymous variant.
Genome position (GRCh38, 1-based): chrX:55,024,791, G>T on the plus strand (C>A on the coding strand, the complement: ALAS2 is on the minus strand). VCF-style: chrX-55024791-G-T. GRCh37 (hg19) VCF-style: chrX-55051224-G-T.
Other names: c.231C>A, p.Leu77= (NM_001037967.4, LRG_1163t1); c.303C>A, p.Leu101= (NM_001037968.4).
Identifiers: ClinVar variation 514393 (VCV000514393.12), dbSNP rs760900782, ClinGen allele CA10428459.